The following is an entry in ClinVar:

NM_024577.4(SH3TC2):c.3040del (p.Asn1013_Leu1014insTer)

Gene: SH3TC2 (SH3 domain and tetratricopeptide repeats 2; minus strand). Cytogenetic location: 5q32.
Variant type: Deletion.
Coding change: c.3040del on transcript NM_024577.4 (MANE Select); coding-DNA position 3040, one base deleted (C; older notation c.3040delC).
Protein change: p.Asn1013_Leu1014insTer.
Molecular consequence: nonsense.
Genome position (GRCh38, 1-based): chr5:149,026,585, G deleted on the plus strand (C on the coding strand, the reverse complement: SH3TC2 is on the minus strand); the first of 2 consecutive G bases (chr5:149,026,585-149,026,586); deleting either gives the same sequence. VCF-style (leftmost placement, unchanged base first): chr5-149026584-AG-A. GRCh37 (hg19) VCF-style: chr5-148406147-AG-A.
Identifiers: ClinVar variation 2695979 (VCV002695979.3), dbSNP rs2531770358, ClinGen allele CA2675887520.

ClinVar aggregate classification (germline): Pathogenic (1 of 4 stars; one submission).

Conditions:
Charcot-Marie-Tooth disease type 4. Also called: Charcot-Marie-Tooth disease, type IV; Charcot-Marie-Tooth, Type 4. Identifiers: Orphanet 64749, MedGen C4082197, MONDO:0018995.

Submission:

Labcorp Genetics (formerly Invitae), Labcorp
Classification: Pathogenic for Charcot-Marie-Tooth disease type 4. Last evaluated: 2025-10-02. Review status: criteria provided, single submitter. Criteria: Invitae Variant Classification Sherloc (09022015). Collection method: clinical testing. Allele origin: germline.
Comment: This sequence change creates a premature translational stop signal (p.Leu1014*) in the SH3TC2 gene. It is expected to result in an absent or disrupted protein product. Loss-of-function variants in SH3TC2 are known to be pathogenic (PMID: 20220177, 27068304). This variant is not present in population databases (gnomAD no frequency). This variant has not been reported in the literature in individuals affected with SH3TC2-related conditions. ClinVar contains an entry for this variant (Variation ID: 2695979). For these reasons, this variant has been classified as Pathogenic.

Literature cited by the submitters: PubMed 20220177; PubMed 27068304.